The following is an entry in ClinVar:

ClinVar aggregate classification (germline): Uncertain significance (1 of 4 stars; one submission).

Conditions:
Hypertrophic cardiomyopathy 11. Also called: ACTC1-Related Familial Hypertrophic Cardiomyopathy. Identifiers: MedGen C2677506, MONDO:0012799, OMIM 612098.
Dilated cardiomyopathy 1R (CMD1R). Identifiers: Orphanet 154, Orphanet 54260, MedGen C3150681, MONDO:0013261, OMIM 613424.
Atrial septal defect 5 (ASD5). Identifiers: Orphanet 1478, MedGen C2748552, MONDO:0013011, OMIM 612794.

Submission:

Labcorp Genetics (formerly Invitae), Labcorp
Classification: Uncertain significance for Dilated cardiomyopathy 1R; Hypertrophic cardiomyopathy 11; Atrial septal defect 5. Last evaluated: 2022-05-27. Review status: criteria provided, single submitter. Criteria: Invitae Variant Classification Sherloc (09022015). Collection method: clinical testing. Allele origin: germline.
Comment: This sequence change creates a premature translational stop signal (p.Pro324Alafs*3) in the ACTC1 gene. While this is not anticipated to result in nonsense mediated decay, it is expected to disrupt the last 54 amino acid(s) of the ACTC1 protein. This variant is not present in population databases (gnomAD no frequency). This variant has not been reported in the literature in individuals affected with ACTC1-related conditions. Experimental studies and prediction algorithms are not available or were not evaluated, and the functional significance of this variant is currently unknown. In summary, the available evidence is currently insufficient to determine the role of this variant in disease. Therefore, it has been classified as a Variant of Uncertain Significance.

NM_005159.5(ACTC1):c.970_973del (p.Pro324fs)

Genes: ACTC1 (actin alpha cardiac muscle 1; minus strand), GJD2-DT (GJD2 divergent transcript; plus strand). Cytogenetic location: 15q14.
Variant type: Deletion.
Coding change: c.970_973del on transcript NM_005159.5 (MANE Select); coding-DNA positions 970 to 973, 4 bases deleted (CCTA; older notation c.970_973delCCTA).
Protein change: p.Pro324fs; shifts the reading frame from proline 324.
Molecular consequence: frameshift variant.
Genome position (GRCh38, 1-based): chr15:34,791,131-34,791,134, TAGG deleted on the plus strand (CCTA on the coding strand, the reverse complement: ACTC1 is on the minus strand). VCF-style (leftmost placement, unchanged base first): chr15-34791130-CTAGG-C. GRCh37 (hg19) VCF-style: chr15-35083331-CTAGG-C.
Other names: c.970_973delCCTA, p.Pro324Alafs (NM_001406482.1, NM_001406483.1); c.835_838delCCTA, p.Pro279Alafs (NM_001406484.1); c.529_532delCCTA, p.Pro177Alafs (NM_001406485.1); short protein forms P324fs.
Identifiers: ClinVar variation 1999277 (VCV001999277.4), dbSNP rs2504177247, ClinGen allele CA2580089255.
Genomic context (GRCh38, chr15:34,791,130, plus strand): 5'-TACCAAGACTTGCCTCGGATCTCCCACTCACAAAAGTTCTTTACCTTAATCTTCATGGTG[CTAGG>C]AGCCAGAGCAGTGATTTCCTTCTGCATACGATCAGCAATACCAGGGTACATAGTGGTGCC-3'